The following is an entry in ClinVar:

NM_001754.5(RUNX1):c.86G>A (p.Arg29Lys)

Gene: RUNX1 (RUNX family transcription factor 1; minus strand). Cytogenetic location: 21q22.12.
Variant type: single nucleotide variant.
Coding change: c.86G>A on transcript NM_001754.5 (MANE Select); coding-DNA position 86, G replaced by A.
Protein change: p.Arg29Lys; replaces arginine 29 with lysine.
Molecular consequence: missense variant.
Genome position (GRCh38, 1-based): chr21:34,892,936, C>T on the plus strand (G>A on the coding strand, the complement: RUNX1 is on the minus strand). VCF-style: chr21-34892936-C-T. GRCh37 (hg19) VCF-style: chr21-36265233-C-T.
Other names: NM_001754.5(RUNX1):c.86G>A; p.Arg29Lys; short protein forms R29K.
Identifiers: ClinVar variation 2769013 (VCV002769013.5), dbSNP rs2517536080, ClinGen allele CA410205685.
Genomic context (GRCh38, chr21:34,892,936, plus strand): 5'-TATGAAGGTGTGTACTTTATTTAAAAATATAACTTGGAATTTAACATACCGTGGACGTCT[C>T]TAGAAGGATTCATTCCAAGTATGCATTCTGAAATAACAGAAAGTAGGAAAATAAAAGTAA-3'
Protein context (NP_001745.2, residues 19-39): RECILGMNPS[Arg29Lys]DVHDASTSRR

ClinVar aggregate classification (germline): Uncertain significance. Review status: reviewed by expert panel (3 of 4 stars). 3 submissions from 3 submitters: Uncertain significance (1). 2 of the submissions do not count toward it. Last evaluated 2024-09-12.

Conditions:
Hereditary thrombocytopenia and hematological cancer predisposition syndrome associated with RUNX1. Also called: RUNX1 Familial Platelet Disorder with Associated Myeloid Malignancies; Familial Platelet Disorder with Propensity to Acute Myelogenous Leukemia; Familial thrombocytopenia with propensity to acute myelogenous leukemia; PLATELET DISORDER, ASPIRIN-LIKE. Identifiers: Orphanet 71290, MedGen C1832388, MeSH C563324, MONDO:0100083, OMIM 601399.
Inborn genetic diseases. Identifiers: MedGen C0950123, MeSH D030342.
Hereditary thrombocytopenia and hematologic cancer predisposition syndrome. Identifiers: Orphanet 71290, MedGen CN281654, MONDO:0011071.

Submissions (3):

ClinGen Myeloid Malignancy Variant Curation Expert Panel
Classification: Uncertain significance for Hereditary thrombocytopenia and hematologic cancer predisposition syndrome. Last evaluated: 2024-09-12. Review status: reviewed by expert panel. Criteria: ClinGen MyeloMalig ACMG Specifications v2. Collection method: curation. Allele origin: germline. Inheritance: Autosomal dominant inheritance.
Comment: NM_001754.5(RUNX1):c.86G>A (p.Arg29Lys) is a missense variant which is completely absent from all population databases (PM2_Supporting) and has not been reported in any proband meeting at least one of the RUNX1-phenotypic criteria. This missense variant has a REVEL score < 0.50 (0.317) and a SpliceAI score ≤ 0.20 (0.06) (BP4). In summary, the clinical significance of this variant is uncertain. ACMG/AMP criteria applied, as specified by the Myeloid Malignancy Variant Curation Expert Panel for RUNX1: BP4, PM2_Supporting.

Ambry Genetics
Classification: Uncertain significance for Inborn genetic diseases. Last evaluated: 2026-07-06. Review status: criteria provided, single submitter. Criteria: Ambry Variant Classification Scheme 2023. Collection method: clinical testing. Allele origin: germline. Not counted in ClinVar's aggregate classification.
Comment: The p.R29K variant (also known as c.86G>A), located in coding exon 2 of the RUNX1 gene, results from a G to A substitution at nucleotide position 86. The arginine at codon 29 is replaced by lysine, an amino acid with highly similar properties. This amino acid position is conserved. In addition, the in silico prediction for this alteration is inconclusive. Based on the available evidence, the clinical significance of this variant remains unclear.

Labcorp Genetics (formerly Invitae), Labcorp
Classification: Uncertain significance for Hereditary thrombocytopenia and hematological cancer predisposition syndrome associated with RUNX1. Last evaluated: 2023-10-16. Review status: criteria provided, single submitter. Criteria: Invitae Variant Classification Sherloc (09022015). Collection method: clinical testing. Allele origin: germline. Not counted in ClinVar's aggregate classification.
Comment: This sequence change replaces arginine, which is basic and polar, with lysine, which is basic and polar, at codon 29 of the RUNX1 protein (p.Arg29Lys). This variant is not present in population databases (gnomAD no frequency). This variant has not been reported in the literature in individuals affected with RUNX1-related conditions. Advanced modeling of protein sequence and biophysical properties (such as structural, functional, and spatial information, amino acid conservation, physicochemical variation, residue mobility, and thermodynamic stability) has been performed at Invitae for this missense variant, however the output from this modeling did not meet the statistical confidence thresholds required to predict the impact of this variant on RUNX1 protein function. In summary, the available evidence is currently insufficient to determine the role of this variant in disease. Therefore, it has been classified as a Variant of Uncertain Significance.